The following is an entry in ClinVar:

NM_194248.3(OTOF):c.1390A>T (p.Lys464Ter)

Gene: OTOF (otoferlin; minus strand). Cytogenetic location: 2p23.3.
Variant type: single nucleotide variant.
Coding change: c.1390A>T on transcript NM_194248.3 (MANE Select); coding-DNA position 1390, A replaced by T.
Protein change: p.Lys464Ter; replaces lysine 464 with a stop codon.
Molecular consequence: nonsense.
Genome position (GRCh38, 1-based): chr2:26,483,464, T>A on the plus strand (A>T on the coding strand, the complement: OTOF is on the minus strand). VCF-style: chr2-26483464-T-A. GRCh37 (hg19) VCF-style: chr2-26706332-T-A.
Other names: c.1390A>T, p.Lys464Ter (NM_001287489.2); short protein forms K464*.
Identifiers: ClinVar variation 4885388 (VCV004885388.2).

ClinVar aggregate classification (germline): Likely pathogenic (1 of 4 stars; one submission).

Submission:

Dasa
Classification: Likely pathogenic. Last evaluated: 2025-04-24. Review status: criteria provided, single submitter. Criteria: DASA Assertion Criteria. Collection method: clinical testing. Allele origin: germline.
Comment: NM_194248.3(OTOF):c.1390A>T (p.Lys464*) is a nonsense variant in OTOF predicted to introduce a premature termination codon and is predicted to result in an absent or altered protein product. Loss of function is an established disease mechanism for OTOF-associated disorders. Also, this variant is absent from population databases. Based on the currently available evidence, this variant is classified as likely pathogenic.